The following is an entry in ClinVar:

ClinVar aggregate classification (germline): Uncertain significance. Review status: criteria provided, multiple submitters, no conflicts (2 of 4 stars). 2 submissions from 2 submitters: Uncertain significance (2). Last evaluated 2022-09-26.

Conditions:
Cardiovascular phenotype. Identifiers: MedGen CN230736.
Dilated cardiomyopathy 1AA (CMD1AA). Also called: CARDIOMYOPATHY, DILATED, 1AA, WITH OR WITHOUT LEFT VENTRICULAR NONCOMPACTION; CARDIOMYOPATHY, FAMILIAL HYPERTROPHIC, 23, WITH OR WITHOUT LEFT VENTRICULAR NONCOMPACTION; Cardiomyopathy, dilated, 1AA, with or without LVNC. Identifiers: Orphanet 154, MedGen C2677338, MONDO:0012808, OMIM 612158.
Primary familial hypertrophic cardiomyopathy (HCM). Identifiers: Orphanet 99739, MedGen C0949658, MeSH D024741, MONDO:0024573. Inheritance: Various modes of inheritance.

Submissions (2):

Ambry Genetics
Classification: Uncertain significance for Cardiovascular phenotype. Last evaluated: 2022-09-26. Review status: criteria provided, single submitter. Criteria: Ambry Variant Classification Scheme 2023. Collection method: clinical testing. Allele origin: germline.
Comment: The p.N279T variant (also known as c.836A>C), located in coding exon 9 of the ACTN2 gene, results from an A to C substitution at nucleotide position 836. The asparagine at codon 279 is replaced by threonine, an amino acid with similar properties. This amino acid position is conserved. In addition, this alteration is predicted to be tolerated by in silico analysis. Since supporting evidence is limited at this time, the clinical significance of this alteration remains unclear.

Labcorp Genetics (formerly Invitae), Labcorp
Classification: Uncertain significance for Primary familial hypertrophic cardiomyopathy; Dilated cardiomyopathy 1AA. Last evaluated: 2022-03-23. Review status: criteria provided, single submitter. Criteria: Invitae Variant Classification Sherloc (09022015). Collection method: clinical testing. Allele origin: germline.
Comment: In summary, the available evidence is currently insufficient to determine the role of this variant in disease. Therefore, it has been classified as a Variant of Uncertain Significance. Advanced modeling of protein sequence and biophysical properties (such as structural, functional, and spatial information, amino acid conservation, physicochemical variation, residue mobility, and thermodynamic stability) performed at Invitae indicates that this missense variant is not expected to disrupt ACTN2 protein function. This variant has not been reported in the literature in individuals affected with ACTN2-related conditions. This variant is not present in population databases (gnomAD no frequency). This sequence change replaces asparagine, which is neutral and polar, with threonine, which is neutral and polar, at codon 279 of the ACTN2 protein (p.Asn279Thr).

NM_001103.4(ACTN2):c.836A>C (p.Asn279Thr)

Gene: ACTN2 (actinin alpha 2; plus strand). Cytogenetic location: 1q43.
Variant type: single nucleotide variant.
Coding change: c.836A>C on transcript NM_001103.4 (MANE Select); coding-DNA position 836, A replaced by C.
Protein change: p.Asn279Thr; replaces asparagine 279 with threonine.
Molecular consequence: missense variant.
Genome position (GRCh38, 1-based): chr1:236,737,174, A>C. VCF-style: chr1-236737174-A-C. GRCh37 (hg19) VCF-style: chr1-236900474-A-C.
Other names: c.836A>C, p.Asn279Thr (NM_001278343.2); c.212A>C, p.Asn71Thr (NM_001278344.2); c.86A>C, p.Asn29Thr (NM_001412150.1); short protein forms N29T, N279T, N71T.
Identifiers: ClinVar variation 1763105 (VCV001763105.7), dbSNP rs2527592020, ClinGen allele CA345378947.